The following is an entry in ClinVar:

ClinVar aggregate classification (germline): Pathogenic (1 of 4 stars; one submission).

Submission:

GeneDx
Classification: Pathogenic. Last evaluated: 2023-09-16. Review status: criteria provided, single submitter. Criteria: GeneDx Variant Classification Process June 2021. Collection method: clinical testing. Allele origin: germline. Affected: yes.
Comment: Frameshift variant predicted to result in protein truncation or nonsense mediated decay in a gene for which loss-of-function is a known mechanism of disease; Not observed at significant frequency in large population cohorts (gnomAD); Has not been previously published as pathogenic or benign to our knowledge

NM_003865.3(HESX1):c.99del (p.Asp34fs)

Gene: HESX1 (HESX homeobox 1; minus strand). Cytogenetic location: 3p14.3.
Variant type: Deletion.
Coding change: c.99del on transcript NM_003865.3 (MANE Select); coding-DNA position 99, one base deleted (A; older notation c.99delA).
Protein change: p.Asp34fs; shifts the reading frame from aspartic acid 34.
Molecular consequence: frameshift variant.
Genome position (GRCh38, 1-based): chr3:57,199,820, T deleted on the plus strand (A on the coding strand, the reverse complement: HESX1 is on the minus strand); the first of 3 consecutive T bases (chr3:57,199,820-57,199,822); deleting any one gives the same sequence. VCF-style (leftmost placement, unchanged base first): chr3-57199819-CT-C. GRCh37 (hg19) VCF-style: chr3-57233847-CT-C.
Other names: c.99del, p.Asp34fs (NM_001376058.1, NM_001376059.1, NM_001376060.1 and 1 more transcripts); short protein forms D34fs.
Identifiers: ClinVar variation 2579991 (VCV002579991.1), dbSNP rs2471737125, ClinGen allele CA2580617909.